The following is an entry in ClinVar:

NM_030962.4(SBF2):c.2975TAG[1] (p.Val993del)

Genes: SBF2 (SET binding factor 2; minus strand), LOC101928008 (uncharacterized LOC101928008; plus strand). Cytogenetic location: 11p15.4.
Variant type: Microsatellite.
Coding change: c.2975TAG[1] on transcript NM_030962.4 (MANE Select); one copy of the 3-base unit TAG starting at c.2975; the reference has two copies in a row; one copy, 3 bases deleted.
Protein change: p.Val993del; deletes valine 993.
Molecular consequence: inframe deletion.
Genome position (GRCh38, 1-based): chr11:9,845,695-9,845,697, CTA deleted on the plus strand (TAG on the coding strand, the reverse complement: SBF2 is on the minus strand); deleting any 3 consecutive bases within chr11:9,845,695-9,845,702 gives the same sequence; the position shown is the placement nearest the transcript's 3' end. VCF-style (leftmost placement, unchanged base first): chr11-9845694-TCTA-T. GRCh37 (hg19) VCF-style: chr11-9867241-TCTA-T.
Other names: c.2975TAG[1], p.Val993del (NM_001386339.1); c.2846TAG[1], p.Val950del (NM_001386342.1); short protein forms V993del, V950del.
Identifiers: ClinVar variation 2048708 (VCV002048708.4), dbSNP rs2494787057, ClinGen allele CA2580615754.

ClinVar aggregate classification (germline): Uncertain significance (1 of 4 stars; one submission).

Conditions:
Charcot-Marie-Tooth disease type 4. Also called: Charcot-Marie-Tooth, Type 4; Charcot-Marie-Tooth disease, type IV. Identifiers: Orphanet 64749, MedGen C4082197, MONDO:0018995.

Submission:

Labcorp Genetics (formerly Invitae), Labcorp
Classification: Uncertain significance for Charcot-Marie-Tooth disease type 4. Last evaluated: 2022-07-22. Review status: criteria provided, single submitter. Criteria: Invitae Variant Classification Sherloc (09022015). Collection method: clinical testing. Allele origin: germline.
Comment: This variant has not been reported in the literature in individuals affected with SBF2-related conditions. In summary, the available evidence is currently insufficient to determine the role of this variant in disease. Therefore, it has been classified as a Variant of Uncertain Significance. Experimental studies and prediction algorithms are not available or were not evaluated, and the functional significance of this variant is currently unknown. This variant is not present in population databases (gnomAD no frequency). This variant, c.2978_2980del, results in the deletion of 1 amino acid(s) of the SBF2 protein (p.Val993del), but otherwise preserves the integrity of the reading frame.